The following is an entry in ClinVar:

NM_000535.7(PMS2):c.1016A>G (p.Asp339Gly)

Gene: PMS2 (PMS1 homolog 2, mismatch repair system component; minus strand). Cytogenetic location: 7p22.1.
Variant type: single nucleotide variant.
Coding change: c.1016A>G on transcript NM_000535.7 (MANE Select); coding-DNA position 1016, A replaced by G.
Protein change: p.Asp339Gly; replaces aspartic acid 339 with glycine.
Molecular consequence: missense variant. On other transcripts: non-coding transcript variant (1), intron variant (2).
Genome position (GRCh38, 1-based): chr7:5,989,928, T>C on the plus strand (A>G on the coding strand, the complement: PMS2 is on the minus strand). VCF-style: chr7-5989928-T-C. GRCh37 (hg19) VCF-style: chr7-6029559-T-C.
Other names: c.611A>G, p.Asp204Gly (NM_001322003.2, NM_001322004.2, NM_001322005.2 and 1 more transcripts); c.698A>G, p.Asp233Gly (NM_001322007.2, NM_001322008.2); c.83A>G, p.Asp28Gly (NM_001322011.2, NM_001322012.2); c.443A>G, p.Asp148Gly (NM_001322013.2); c.1016A>G, p.Asp339Gly (NM_001322014.2); c.707A>G, p.Asp236Gly (NM_001322015.2); c.583+2045A>G (NM_001322010.2); c.988+2045A>G (NM_001322006.2); short protein forms D148G, D233G, D236G, D204G, D28G, D339G.
Identifiers: ClinVar variation 936494 (VCV000936494.8), dbSNP rs1783546106, ClinGen allele CA366742986.

ClinVar aggregate classification (germline): Uncertain significance. Review status: criteria provided, multiple submitters, no conflicts (2 of 4 stars). 2 submissions from 2 submitters: Uncertain significance (2). Last evaluated 2024-02-13.

Conditions:
Lynch syndrome 4 (LYNCH4). Also called: Colorectal cancer, hereditary nonpolyposis, type 4; Hereditary non-polyposis colorectal cancer, type 4. Identifiers: Orphanet 144, MedGen C1838333, MONDO:0013699, OMIM 614337. Disease mechanism: loss of function.
Hereditary nonpolyposis colorectal neoplasms. Identifiers: MedGen C0009405, MeSH D003123.

Allele frequency attached by ClinVar (database versions not stated): gnomAD exomes below 0.00001.
gnomAD v4.1: 1 of 1,610,712 alleles (0.000062%); highest among the groups gnomAD compares: Non-Finnish European, 0.000085%; no homozygotes.

Submissions (2):

Baylor Genetics
Classification: Uncertain significance for Lynch syndrome 4. Last evaluated: 2024-02-13. Review status: criteria provided, single submitter. Criteria: ACMG Guidelines, 2015. Collection method: clinical testing. Allele origin: unknown.

Labcorp Genetics (formerly Invitae), Labcorp
Classification: Uncertain significance for Hereditary nonpolyposis colorectal neoplasms. Last evaluated: 2022-03-12. Review status: criteria provided, single submitter. Criteria: Invitae Variant Classification Sherloc (09022015). Collection method: clinical testing. Allele origin: germline.
Comment: In summary, the available evidence is currently insufficient to determine the role of this variant in disease. Therefore, it has been classified as a Variant of Uncertain Significance. Algorithms developed to predict the effect of missense changes on protein structure and function (SIFT, PolyPhen-2, Align-GVGD) all suggest that this variant is likely to be disruptive. Algorithms developed to predict the effect of sequence changes on RNA splicing suggest that this variant may create or strengthen a splice site. ClinVar contains an entry for this variant (Variation ID: 936494). This variant is not present in population databases (gnomAD no frequency). This sequence change replaces aspartic acid, which is acidic and polar, with glycine, which is neutral and non-polar, at codon 339 of the PMS2 protein (p.Asp339Gly). This variant has not been reported in the literature in individuals affected with PMS2-related conditions.